The following is an entry in ClinVar:

ClinVar aggregate classification (germline): Likely benign. Review status: criteria provided, multiple submitters, no conflicts (2 of 4 stars). 2 submissions from 2 submitters: Likely benign (2). Last evaluated 2025-08-01.

gnomAD v4.1: 1,295 of 1,612,636 alleles (0.08%); highest among the groups gnomAD compares: Non-Finnish European, 0.097%; no homozygotes.

Submissions (2):

CeGaT Center for Human Genetics Tuebingen
Classification: Likely benign. Last evaluated: 2025-08-01. Review status: criteria provided, single submitter. Criteria: CeGaT Center For Human Genetics Tuebingen Variant Classification Criteria Version 2. Collection method: clinical testing. Allele origin: germline. Affected: yes. Observed: 2 variant alleles.
Comment: CPSF1: BP4, BP7

Blueprint Genetics
Classification: Likely benign. Last evaluated: 2024-10-17. Review status: criteria provided, single submitter. Criteria: ACMG Guidelines, 2015. Collection method: clinical testing. Allele origin: germline.

NM_013291.3(CPSF1):c.1314G>A (p.Pro438=)

Gene: CPSF1 (cleavage and polyadenylation specific factor 1; minus strand). Cytogenetic location: 8q24.3.
Variant type: single nucleotide variant.
Coding change: c.1314G>A on transcript NM_013291.3 (MANE Select); coding-DNA position 1314, G replaced by A.
Protein change: p.Pro438=; no amino-acid change (proline 438 retained).
Molecular consequence: synonymous variant.
Genome position (GRCh38, 1-based): chr8:144,399,354, C>T on the plus strand (G>A on the coding strand, the complement: CPSF1 is on the minus strand). VCF-style: chr8-144399354-C-T. GRCh37 (hg19) VCF-style: chr8-145624744-C-T.
Identifiers: ClinVar variation 3770694 (VCV003770694.12).